The following is an entry in ClinVar:

NM_033409.4(SLC52A3):c.829G>A (p.Gly277Ser)

Gene: SLC52A3 (solute carrier family 52 member 3; minus strand). Cytogenetic location: 20p13.
Variant type: single nucleotide variant.
Coding change: c.829G>A on transcript NM_033409.4 (MANE Select); coding-DNA position 829, G replaced by A.
Protein change: p.Gly277Ser; replaces glycine 277 with serine.
Molecular consequence: missense variant.
Genome position (GRCh38, 1-based): chr20:763,742, C>T on the plus strand (G>A on the coding strand, the complement: SLC52A3 is on the minus strand). VCF-style: chr20-763742-C-T. GRCh37 (hg19) VCF-style: chr20-744386-C-T.
Other names: c.829G>A, p.Gly277Ser (NM_001370085.1, NM_001370086.1); short protein forms G277S.
Identifiers: ClinVar variation 945160 (VCV000945160.9), dbSNP rs1310858614, ClinGen allele CA407963016.
Genomic context (GRCh38, chr20:763,742, plus strand): 5'-GGCAGCAGGGGGCTGCTTTCTCCTCTAGATACCCCTGGCCCTGGCTGCTGTCCACCGTGC[C>T]TGCAGGGCCCAAGTCATTCTCTTCCCGCGGCCGGATGGAGTGGAGGGTGACCTGGTCATT-3'
Protein context (NP_212134.3, residues 267-287): PREENDLGPA[Gly277Ser]TVDSSQGQGY

ClinVar aggregate classification (germline): Uncertain significance (1 of 4 stars; one submission).

Conditions:
Brown-Vialetto-van Laere syndrome 1. Also called: BROWN-VIALETTO-VAN LAERE SYNDROME 1, MILD; BULBAR PALSY, PROGRESSIVE, WITH SENSORINEURAL DEAFNESS; PONTOBULBAR PALSY WITH DEAFNESS. Identifiers: Orphanet 572550, Orphanet 97229, MedGen C0796274, MONDO:0024537, OMIM 211530.

Allele frequency attached by ClinVar (database versions not stated): gnomAD exomes below 0.00001.
gnomAD v4.1: 3 of 1,614,182 alleles (0.00019%); highest among the groups gnomAD compares: Admixed American, 0.005%; no homozygotes.

Submission:

Labcorp Genetics (formerly Invitae), Labcorp
Classification: Uncertain significance for Brown-Vialetto-van Laere syndrome 1. Last evaluated: 2022-02-24. Review status: criteria provided, single submitter. Criteria: Invitae Variant Classification Sherloc (09022015). Collection method: clinical testing. Allele origin: germline.
Comment: This variant is present in population databases (no rsID available, gnomAD 0.003%). This variant has not been reported in the literature in individuals affected with SLC52A3-related conditions. ClinVar contains an entry for this variant (Variation ID: 945160). Algorithms developed to predict the effect of missense changes on protein structure and function output the following: SIFT: "Tolerated"; PolyPhen-2: "Benign"; Align-GVGD: "Class C0". The serine amino acid residue is found in multiple mammalian species, which suggests that this missense change does not adversely affect protein function. In summary, the available evidence is currently insufficient to determine the role of this variant in disease. Therefore, it has been classified as a Variant of Uncertain Significance. This sequence change replaces glycine, which is neutral and non-polar, with serine, which is neutral and polar, at codon 277 of the SLC52A3 protein (p.Gly277Ser).